The following is an entry in ClinVar:

NM_001166108.2(PALLD):c.1965-12924C>T

Gene: PALLD (palladin, cytoskeletal associated protein; plus strand). Cytogenetic location: 4q32.3.
Variant type: single nucleotide variant.
Coding change: c.1965-12924C>T on transcript NM_001166108.2 (MANE Select); 12924 bases into the intron before coding-DNA position 1965, C replaced by T.
Molecular consequence: intron variant. On other transcripts: missense variant (1).
Genome position (GRCh38, 1-based): chr4:168,877,998, C>T. VCF-style: chr4-168877998-C-T. GRCh37 (hg19) VCF-style: chr4-169799149-C-T.
Other names: c.1965-12924C>T (NM_016081.4); c.819-12924C>T (NM_001166109.2); c.-157-12924C>T (NM_001367570.1, NM_001367568.1, NM_001367567.1 and 1 more transcripts); c.107C>T, p.Ser36Leu (NM_001166110.2); short protein forms S36L.
Identifiers: ClinVar variation 959121 (VCV000959121.9), dbSNP rs1048547337, ClinGen allele CA110515918.

ClinVar aggregate classification (germline): Uncertain significance. Review status: criteria provided, multiple submitters, no conflicts (2 of 4 stars). 2 submissions from 2 submitters: Uncertain significance (2). Last evaluated 2025-07-17.

Conditions:
Pancreatic adenocarcinoma. Identifiers: MedGen C0281361, MONDO:0006047, HP:0006725.

Allele frequency attached by ClinVar (database versions not stated): gnomAD exomes 0.00003; TOPMed 0.00026; gnomAD 0.00028 and 0.00032.
gnomAD v4.1: 62 of 1,498,268 alleles (0.0041%); highest among the groups gnomAD compares: African/African-American, 0.077%; no homozygotes.

Submissions (2):

Labcorp Genetics (formerly Invitae), Labcorp
Classification: Uncertain significance for Pancreatic adenocarcinoma. Last evaluated: 2025-07-17. Review status: criteria provided, single submitter. Criteria: Invitae Variant Classification Sherloc (09022015). Collection method: clinical testing. Allele origin: germline.
Comment: This sequence change replaces serine, which is neutral and polar, with leucine, which is neutral and non-polar, at codon 36 of the PALLD protein (p.Ser36Leu). The frequency data for this variant in the population databases is considered unreliable, as metrics indicate poor data quality at this position in the gnomAD database. This variant has not been reported in the literature in individuals affected with PALLD-related conditions. ClinVar contains an entry for this variant (Variation ID: 959121). An algorithm developed to predict the effect of missense changes on protein structure and function (PolyPhen-2) suggests that this variant is likely to be tolerated. In summary, the available evidence is currently insufficient to determine the role of this variant in disease. Therefore, it has been classified as a Variant of Uncertain Significance.

Ambry Genetics
Classification: Uncertain significance. Last evaluated: 2024-11-21. Review status: criteria provided, single submitter. Criteria: Ambry Variant Classification Scheme 2023. Collection method: clinical testing. Allele origin: germline.
Comment: The p.S36L variant (also known as c.107C>T), located in coding exon 1 of the PALLD gene, results from a C to T substitution at nucleotide position 107. The serine at codon 36 is replaced by leucine, an amino acid with dissimilar properties. This amino acid position is conserved. In addition, this alteration is predicted to be tolerated by in silico analysis. Based on the available evidence, the clinical significance of this variant remains unclear.